The following is an entry in ClinVar:

NM_005257.6(GATA6):c.947C>G (p.Ala316Gly)

Gene: GATA6 (GATA binding protein 6; plus strand). Cytogenetic location: 18q11.2.
Variant type: single nucleotide variant.
Coding change: c.947C>G on transcript NM_005257.6 (MANE Select); coding-DNA position 947, C replaced by G.
Protein change: p.Ala316Gly; replaces alanine 316 with glycine.
Molecular consequence: missense variant.
Genome position (GRCh38, 1-based): chr18:22,172,091, C>G. VCF-style: chr18-22172091-C-G. GRCh37 (hg19) VCF-style: chr18-19752052-C-G.
Other names: short protein forms A316G.
Identifiers: ClinVar variation 3706293 (VCV003706293.2).
Genomic context (GRCh38, chr18:22,172,091, plus strand): 5'-GCGGCAGTAGCCTGGCGGCCATGGGCGGCCGCGAGCCCCAGTACAGCTCGCTGTCGGCCG[C>G]GCGGCCGCTGAACGGGACGTACCACCACCACCACCACCACCACCACCACCATCCGAGCCC-3'
Protein context (NP_005248.2, residues 306-326): REPQYSSLSA[Ala316Gly]RPLNGTYHHH

ClinVar aggregate classification (germline): Uncertain significance (1 of 4 stars; one submission).

Conditions:
Atrioventricular septal defect 5 (AVSD5). Identifiers: MedGen C3280939, MONDO:0013769, OMIM 614474.

Submission:

Labcorp Genetics (formerly Invitae), Labcorp
Classification: Uncertain significance for Atrioventricular septal defect 5. Last evaluated: 2024-02-07. Review status: criteria provided, single submitter. Criteria: Invitae Variant Classification Sherloc (09022015). Collection method: clinical testing. Allele origin: germline.
Comment: This sequence change replaces alanine, which is neutral and non-polar, with glycine, which is neutral and non-polar, at codon 316 of the GATA6 protein (p.Ala316Gly). This variant is not present in population databases (gnomAD no frequency). This variant has not been reported in the literature in individuals affected with GATA6-related conditions. Advanced modeling of protein sequence and biophysical properties (such as structural, functional, and spatial information, amino acid conservation, physicochemical variation, residue mobility, and thermodynamic stability) performed at Invitae indicates that this missense variant is not expected to disrupt GATA6 protein function with a negative predictive value of 80%. In summary, the available evidence is currently insufficient to determine the role of this variant in disease. Therefore, it has been classified as a Variant of Uncertain Significance.